The following is an entry in ClinVar:

NM_178335.3(CCDC50):c.49+6G>T

Genes: CCDC50 (coiled-coil domain containing 50; plus strand), UTS2B (urotensin 2B; minus strand). Cytogenetic location: 3q28.
Variant type: single nucleotide variant.
Coding change: c.49+6G>T on transcript NM_178335.3 (MANE Select); 6 bases into the intron after coding-DNA position 49, G replaced by T.
Molecular consequence: intron variant.
Genome position (GRCh38, 1-based): chr3:191,329,729, G>T. VCF-style: chr3-191329729-G-T. GRCh37 (hg19) VCF-style: chr3-191047518-G-T.
Other names: c.-665+685C>A (NM_198152.5); c.49+6G>T (NM_174908.4).
Identifiers: ClinVar variation 3005401 (VCV003005401.3), dbSNP rs774098362, ClinGen allele CA2755122.

ClinVar aggregate classification (germline): Uncertain significance (1 of 4 stars; one submission).

Allele frequency attached by ClinVar (database versions not stated): ExAC 0.00001.

Submission:

Labcorp Genetics (formerly Invitae), Labcorp
Classification: Uncertain significance. Last evaluated: 2024-04-25. Review status: criteria provided, single submitter. Criteria: Invitae Variant Classification Sherloc (09022015). Collection method: clinical testing. Allele origin: germline.
Comment: This sequence change falls in intron 1 of the CCDC50 gene. It does not directly change the encoded amino acid sequence of the CCDC50 protein. It affects a nucleotide within the consensus splice site. The frequency data for this variant in the population databases is considered unreliable, as metrics indicate poor data quality at this position in the gnomAD database. This variant has not been reported in the literature in individuals affected with CCDC50-related conditions. Variants that disrupt the consensus splice site are a relatively common cause of aberrant splicing (PMID: 17576681, 9536098). Algorithms developed to predict the effect of sequence changes on RNA splicing suggest that this variant is not likely to affect RNA splicing. In summary, the available evidence is currently insufficient to determine the role of this variant in disease. Therefore, it has been classified as a Variant of Uncertain Significance.

Literature cited by the submitters: PubMed 17576681; PubMed 9536098.